The following is an entry in ClinVar:

NM_000173.7(GP1BA):c.1178C>T (p.Pro393Leu)

Gene: GP1BA (glycoprotein Ib platelet subunit alpha; plus strand). Cytogenetic location: 17p13.2.
Variant type: single nucleotide variant.
Coding change: c.1178C>T on transcript NM_000173.7 (MANE Select); coding-DNA position 1178, C replaced by T.
Protein change: p.Pro393Leu; replaces proline 393 with leucine.
Molecular consequence: missense variant.
Genome position (GRCh38, 1-based): chr17:4,933,782, C>T. VCF-style: chr17-4933782-C-T. GRCh37 (hg19) VCF-style: chr17-4837077-C-T.
Other names: c.1178C>T (NM_000173.6); short protein forms P393L.
Identifiers: ClinVar variation 2367012 (VCV002367012.6), dbSNP rs569872698, ClinGen allele CA8314917.

ClinVar aggregate classification (germline): Uncertain significance. Review status: criteria provided, multiple submitters, no conflicts (2 of 4 stars). 3 submissions from 3 submitters: Uncertain significance (3). Last evaluated 2026-05-27.

Conditions:
Inborn genetic diseases. Identifiers: MedGen C0950123, MeSH D030342.
GP1BA-related disorder. Also called: GP1BA-related condition.

Allele frequency attached by ClinVar (database versions not stated): ExAC 0.00006; TOPMed 0.00009; 1000 Genomes Project 0.00040; 1000 Genomes Project 30x 0.00062.

Submissions (3):

Women's Health and Genetics/Laboratory Corporation of America, LabCorp
Classification: Uncertain significance. Last evaluated: 2026-05-27. Review status: criteria provided, single submitter. Criteria: LabCorp Variant Classification Summary - May 2015. Collection method: clinical testing. Allele origin: germline.
Comment: Variant summary: GP1BA c.1178C>T (p.Pro393Leu) results in a non-conservative amino acid change in the encoded protein sequence. Algorithms developed to predict the effect of missense changes on protein structure and function are either unavailable or do not agree on the potential impact of this missense change. The variant allele was found at a frequency of 6.8e-05 in 248984 control chromosomes. This frequency is not significantly higher than estimated for disease-causing variants in GP1BA, allowing no conclusion about variant significance. c.1178C>T has been observed in individual(s) affected with thrombocytopenia without evidence for causality (Marconi_2022). These report(s) do not provide unequivocal conclusions about association of the variant with disease. To our knowledge, no experimental evidence demonstrating an impact on protein function has been reported. ClinVar contains an entry for this variant (Variation ID: 2367012). Based on the evidence outlined above, the variant was classified as uncertain significance.

PreventionGenetics, part of Exact Sciences
Classification: Uncertain significance for GP1BA-related condition. Last evaluated: 2026-04-21. Review status: criteria provided, single submitter. Criteria: ACMG Guidelines, 2015. Collection method: clinical testing. Allele origin: germline.
Comment: The GP1BA c.1178C>T variant is predicted to result in the amino acid substitution p.Pro393Leu. This variant has been reported as likely benign in an individual with thrombocytopenia (Marconi et al. 2023. PubMed ID: 36519321). This variant is reported in 0.025% of alleles in individuals of African descent in gnomAD. At this time, the clinical significance of this variant is uncertain due to the absence of conclusive functional and genetic evidence.

Ambry Genetics
Classification: Uncertain significance for Inborn genetic diseases. Last evaluated: 2022-03-23. Review status: criteria provided, single submitter. Criteria: Ambry Variant Classification Scheme 2023. Collection method: clinical testing. Allele origin: germline.

Literature cited by the submitters: PubMed 36519321 (cited by Women's Health and Genetics/Laboratory Corporation of America, LabCorp).